The following is an entry in ClinVar:

ClinVar aggregate classification (germline): Conflicting classifications of pathogenicity. Review status: criteria provided, conflicting classifications (1 of 4 stars). 3 submissions from 3 submitters: Uncertain significance (2); Likely benign (1). Last evaluated 2026-06-01.

Conditions:
Inborn genetic diseases. Identifiers: MedGen C0950123, MeSH D030342.
KIDINS220-related disorder. Also called: KIDINS220-related condition.

Allele frequency attached by ClinVar (database versions not stated): ESP Exome Variant Server 0.00008; TOPMed 0.00008; gnomAD 0.00009 and 0.00012; gnomAD exomes 0.00009 and 0.00012; ExAC 0.00012.
gnomAD v4.1: 153 of 1,614,064 alleles (0.0095%); highest among the groups gnomAD compares: Middle Eastern, 0.099%; 2 homozygotes.

Submissions (3):

PreventionGenetics, part of Exact Sciences
Classification: Uncertain significance for KIDINS220-related condition. Last evaluated: 2026-06-01. Review status: criteria provided, single submitter. Criteria: ACMG Guidelines, 2015. Collection method: clinical testing. Allele origin: germline.
Comment: The KIDINS220 c.4727C>T variant is predicted to result in the amino acid substitution p.Ala1576Val. This variant has been reported as a variant of uncertain significance in an individual with atypical cerebral palsy, who also carried a homozygous variant in SUCLG1 (Nejabat et al. 2021. PubMed ID: 34540776). This variant is reported in 0.021% of alleles in individuals of European (Non-Finnish) descent in gnomAD. Although we suspect that this variant may be benign, at this time, the clinical significance of this variant is uncertain due to the absence of conclusive functional and genetic evidence.

Labcorp Genetics (formerly Invitae), Labcorp
Classification: Uncertain significance. Last evaluated: 2025-09-02. Review status: criteria provided, single submitter. Criteria: Invitae Variant Classification Sherloc (09022015). Collection method: clinical testing. Allele origin: germline.
Comment: This sequence change replaces alanine, which is neutral and non-polar, with valine, which is neutral and non-polar, at codon 1576 of the KIDINS220 protein (p.Ala1576Val). This variant is present in population databases (rs202036173, gnomAD 0.02%). This missense change has been observed in individual(s) with KIDINS220-related conditions (PMID: 34540776). ClinVar contains an entry for this variant (Variation ID: 1435190). An algorithm developed to predict the effect of missense changes on protein structure and function (PolyPhen-2) suggests that this variant is likely to be tolerated. In summary, the available evidence is currently insufficient to determine the role of this variant in disease. Therefore, it has been classified as a Variant of Uncertain Significance.

Ambry Genetics
Classification: Likely benign for Inborn genetic diseases. Last evaluated: 2021-03-31. Review status: criteria provided, single submitter. Criteria: Ambry Variant Classification Scheme 2023. Collection method: clinical testing. Allele origin: germline.

Literature cited by the submitters: PubMed 34540776 (cited by Labcorp Genetics (formerly Invitae), Labcorp).

NM_020738.4(KIDINS220):c.4727C>T (p.Ala1576Val)

Gene: KIDINS220 (kinase D interacting substrate 220; minus strand). Cytogenetic location: 2p25.1.
Variant type: single nucleotide variant.
Coding change: c.4727C>T on transcript NM_020738.4 (MANE Select); coding-DNA position 4727, C replaced by T.
Protein change: p.Ala1576Val; replaces alanine 1576 with valine.
Molecular consequence: missense variant. On other transcripts: intron variant (6).
Genome position (GRCh38, 1-based): chr2:8,731,309, G>A on the plus strand (C>T on the coding strand, the complement: KIDINS220 is on the minus strand). VCF-style: chr2-8731309-G-A. GRCh37 (hg19) VCF-style: chr2-8871439-G-A.
Other names: c.4727C>T (NM_020738.2); c.4730C>T, p.Ala1577Val (NM_001348729.2); c.4673C>T, p.Ala1558Val (NM_001348731.2); c.4670C>T, p.Ala1557Val (NM_001348732.2); c.4559C>T, p.Ala1520Val (NM_001348734.2); c.4556C>T, p.Ala1519Val (NM_001348735.2); c.4430C>T, p.Ala1477Val (NM_001348736.2); c.3882+2135C>T (NM_001348741.2, NM_001348742.2, NM_001348743.2); and 2 more; short protein forms A1477V, A1576V, A1577V, A1519V, A1520V, A1558V, A1557V.
Identifiers: ClinVar variation 1435190 (VCV001435190.9), dbSNP rs202036173, ClinGen allele CA1519317.
Genomic context (GRCh38, chr2:8,731,309, plus strand): 5'-TTGGGAGAACTTTCACTGGATCTCACTCCTGAATCCGATGAATCCTTTTTGTCAAGGAGC[G>A]CATCCGATAAATACTCTTTGGCTTTAATGAAGGTTCTGATCGGCTCAGCACTGTGTTCTG-3'
Protein context (NP_065789.1, residues 1566-1586): FIKAKEYLSD[Ala1576Val]LLDKKDSSDS